The following is an entry in ClinVar:

NM_000264.5(PTCH1):c.2384T>A (p.Phe795Tyr)

Genes: PTCH1 (patched 1; minus strand), LOC100507346 (uncharacterized LOC100507346; plus strand). Cytogenetic location: 9q22.32.
Variant type: single nucleotide variant.
Coding change: c.2384T>A on transcript NM_000264.5 (MANE Select); coding-DNA position 2384, T replaced by A.
Protein change: p.Phe795Tyr; replaces phenylalanine 795 with tyrosine.
Molecular consequence: missense variant.
Genome position (GRCh38, 1-based): chr9:95,467,292, A>T on the plus strand (T>A on the coding strand, the complement: PTCH1 is on the minus strand). VCF-style: chr9-95467292-A-T. GRCh37 (hg19) VCF-style: chr9-98229574-A-T.
Other names: c.2186T>A, p.Phe729Tyr (NM_001083602.3); c.2381T>A, p.Phe794Tyr (NM_001083603.3); c.1931T>A, p.Phe644Tyr (NM_001083604.3, NM_001083605.3, NM_001083606.3 and 1 more transcripts); c.2228T>A, p.Phe743Tyr (NM_001354918.2); short protein forms F644Y, F729Y, F743Y, F794Y, F795Y.
Identifiers: ClinVar variation 4862631 (VCV004862631.1).

ClinVar aggregate classification (germline): Uncertain significance (1 of 4 stars; one submission).

Conditions:
Hereditary cancer-predisposing syndrome. Also called: Neoplastic Syndromes, Hereditary; Tumor predisposition; Hereditary Cancer Syndrome; Hereditary neoplastic syndrome. Identifiers: Orphanet 140162, MedGen C0027672, MeSH D009386, MONDO:0015356.

gnomAD v4.1: 1 of 1,614,208 alleles (0.000062%); highest among the groups gnomAD compares: Non-Finnish European, 0.000085%; no homozygotes.

Submission:

Ambry Genetics
Classification: Uncertain significance for Hereditary cancer-predisposing syndrome. Last evaluated: 2026-04-28. Review status: criteria provided, single submitter. Criteria: Ambry Variant Classification Scheme 2023. Collection method: clinical testing. Allele origin: germline.
Comment: The p.F795Y variant (also known as c.2384T>A), located in coding exon 15 of the PTCH1 gene, results from a T to A substitution at nucleotide position 2384. The phenylalanine at codon 795 is replaced by tyrosine, an amino acid with highly similar properties. This amino acid position is conserved. In addition, the in silico prediction for this alteration is inconclusive. Based on the available evidence, the clinical significance of this variant remains unclear.